The following is an entry in ClinVar:

NM_001042492.3(NF1):c.3114-4A>T

Gene: NF1 (neurofibromin 1; plus strand). Cytogenetic location: 17q11.2.
Variant type: single nucleotide variant.
Coding change: c.3114-4A>T on transcript NM_001042492.3 (MANE Select); 4 bases into the intron before coding-DNA position 3114, A replaced by T.
Molecular consequence: intron variant.
Genome position (GRCh38, 1-based): chr17:31,230,838, A>T. VCF-style: chr17-31230838-A-T. GRCh37 (hg19) VCF-style: chr17-29557856-A-T.
Other names: c.3114-4A>T (NM_000267.4).
Identifiers: ClinVar variation 457624 (VCV000457624.16), dbSNP rs201550230, ClinGen allele CA658656566.
Genomic context (GRCh38, chr17:31,230,838, plus strand): 5'-TAAAGGTGTGTGTGTGGCTTCAAAAACATTGTTTGCTGTTTCTCTTTTCTCCACCATTCT[A>T]TAGGAATAAGATGGTAGAATACCTGACAGACTGGGTTATGGGAACATCAAACCAAGCAGC-3'

ClinVar aggregate classification (germline): Likely benign. Review status: criteria provided, multiple submitters, no conflicts (2 of 4 stars). 3 submissions from 3 submitters: Likely benign (3). Last evaluated 2026-05-12.

Conditions:
Hereditary cancer-predisposing syndrome. Also called: Hereditary neoplastic syndrome; Neoplastic Syndromes, Hereditary; Hereditary Cancer Syndrome; Tumor predisposition. Identifiers: Orphanet 140162, MedGen C0027672, MeSH D009386, MONDO:0015356.
Cardiovascular phenotype. Identifiers: MedGen CN230736.
Neurofibromatosis, type 1 (NF1). Also called: Peripheral type neurofibromatosis; Neurofibromatosis, type I; VON RECKLINGHAUSEN DISEASE; NEUROFIBROMATOSIS, TYPE I, SOMATIC. Identifiers: Orphanet 636, MedGen C0027831, MONDO:0018975, OMIM 162200. Disease mechanism: loss of function.

gnomAD v4.1: 1 of 1,586,672 alleles (0.000063%); highest among the groups gnomAD compares: Non-Finnish European, 0.000086%; no homozygotes.

Submissions (3):

Myriad Genetics, Inc.
Classification: Likely benign for Neurofibromatosis, type 1. Last evaluated: 2026-05-12. Review status: criteria provided, single submitter. Criteria: Myriad Autosomal Dominant, Autosomal Recessive and X-Linked Classification Criteria (2023). Collection method: clinical testing. Allele origin: unknown.
Comment: This variant is considered likely benign. This variant is intronic and is not expected to impact mRNA splicing.

Labcorp Genetics (formerly Invitae), Labcorp
Classification: Likely benign for Neurofibromatosis, type 1. Last evaluated: 2025-06-16. Review status: criteria provided, single submitter. Criteria: Invitae Variant Classification Sherloc (09022015). Collection method: clinical testing. Allele origin: germline.

Ambry Genetics
Classification: Likely benign for Cardiovascular phenotype; Hereditary cancer-predisposing syndrome. Last evaluated: 2022-01-24. Review status: criteria provided, single submitter. Criteria: Ambry Variant Classification Scheme 2023. Collection method: clinical testing. Allele origin: germline.